The following is an entry in ClinVar:

ClinVar aggregate classification (germline): Uncertain significance. Review status: criteria provided, multiple submitters, no conflicts (2 of 4 stars). 2 submissions from 2 submitters: Uncertain significance (2). Last evaluated 2026-03-03.

Conditions:
FGFR2-related craniosynostosis. Identifiers: MedGen CN231480.

Allele frequency attached by ClinVar (database versions not stated): gnomAD exomes below 0.00001.
gnomAD v4.1: 3 of 1,614,086 alleles (0.00019%); highest among the groups gnomAD compares: South Asian, 0.0011%; no homozygotes.

Submissions (2):

GeneDx
Classification: Uncertain significance. Last evaluated: 2026-03-03. Review status: criteria provided, single submitter. Criteria: GeneDx Variant Classification Process June 2021. Collection method: clinical testing. Allele origin: germline.
Comment: Reported in the published literature in association with craniosynostosis (PMID: 21928350, 26557159); In silico analysis supports that this missense variant has a deleterious effect on protein structure/function; This variant is associated with the following publications: (PMID: 36530080, 21928350, 26557159, 29100090)

Labcorp Genetics (formerly Invitae), Labcorp
Classification: Uncertain significance for FGFR2-related craniosynostosis. Last evaluated: 2024-03-11. Review status: criteria provided, single submitter. Criteria: Invitae Variant Classification Sherloc (09022015). Collection method: clinical testing. Allele origin: germline.
Comment: This sequence change replaces glutamic acid, which is acidic and polar, with lysine, which is basic and polar, at codon 731 of the FGFR2 protein (p.Glu731Lys). This variant is present in population databases (no rsID available, gnomAD 0.003%). This missense change has been observed in individual(s) with Apert syndrome (PMID: 21928350). Advanced modeling of protein sequence and biophysical properties (such as structural, functional, and spatial information, amino acid conservation, physicochemical variation, residue mobility, and thermodynamic stability) performed at Invitae indicates that this missense variant is expected to disrupt FGFR2 protein function with a positive predictive value of 95%. Experimental studies have shown that this missense change affects FGFR2 function (PMID: 21928350). In summary, the available evidence is currently insufficient to determine the role of this variant in disease. Therefore, it has been classified as a Variant of Uncertain Significance.

Literature cited by the submitters: PubMed 21928350 (cited by Labcorp Genetics (formerly Invitae), Labcorp).

NM_000141.5(FGFR2):c.2191G>A (p.Glu731Lys)

Gene: FGFR2 (fibroblast growth factor receptor 2; minus strand). Cytogenetic location: 10q26.13.
Variant type: single nucleotide variant.
Coding change: c.2191G>A on transcript NM_000141.5 (MANE Select); coding-DNA position 2191, G replaced by A.
Protein change: p.Glu731Lys; replaces glutamic acid 731 with lysine.
Molecular consequence: missense variant. On other transcripts: non-coding transcript variant (1).
Genome position (GRCh38, 1-based): chr10:121,485,399, C>T on the plus strand (G>A on the coding strand, the complement: FGFR2 is on the minus strand). VCF-style: chr10-121485399-C-T. GRCh37 (hg19) VCF-style: chr10-123244913-C-T.
Other names: c.2194G>A, p.Glu732Lys (NM_001144913.1, NM_022970.4); c.1855G>A, p.Glu619Lys (NM_001144914.1); c.1924G>A, p.Glu642Lys (NM_001144915.2, NM_023029.3); c.1846G>A, p.Glu616Lys (NM_001144916.2); c.1843G>A, p.Glu615Lys (NM_001144917.2); c.1840G>A, p.Glu614Lys (NM_001144918.2); c.1927G>A, p.Glu643Lys (NM_001144919.2); c.1507G>A, p.Glu503Lys (NM_001320654.2); and 1 more; short protein forms E503K, E614K, E643K, E731K, E732K, E616K, E642K, E729K.
Identifiers: ClinVar variation 2735491 (VCV002735491.4), dbSNP rs1224606327, ClinGen allele CA378311538.